The following is an entry in ClinVar:

NM_001005242.3(PKP2):c.1230C>T (p.Asp410=)

Gene: PKP2 (plakophilin 2; minus strand). Cytogenetic location: 12p11.21.
Variant type: single nucleotide variant.
Coding change: c.1230C>T on transcript NM_001005242.3 (MANE Select); coding-DNA position 1230, C replaced by T.
Protein change: p.Asp410=; no amino-acid change (aspartic acid 410 retained).
Molecular consequence: synonymous variant.
Genome position (GRCh38, 1-based): chr12:32,850,914, G>A on the plus strand (C>T on the coding strand, the complement: PKP2 is on the minus strand). VCF-style: chr12-32850914-G-A. GRCh37 (hg19) VCF-style: chr12-33003848-G-A.
Other names: c.1230C>T, p.Asp410= (NM_004572.4).
Identifiers: ClinVar variation 378368 (VCV000378368.51), dbSNP rs148364390, ClinGen allele CA027448.
Genomic context (GRCh38, chr12:32,850,914, plus strand): 5'-TTTGTTGTCATTGTCTTCAAATACTAAGTTTCTCAAGGCCCCACACACAGCTCGCTGAAC[G>A]TCTTCATTCTGAACTTTTAGGAGCTGCAGAAGCTTGAGGATGCCACGAAGCTGGTTAACC-3'
Protein context (NP_001005242.2, residues 400-420): LLQLLKVQNE[Asp410=]VQRAVCGALR

ClinVar aggregate classification (germline): Benign/Likely benign. Review status: criteria provided, multiple submitters, no conflicts (2 of 4 stars). 8 submissions from 8 submitters: Benign (3); Likely benign (5). Last evaluated 2026-01-26.

Conditions:
Arrhythmogenic right ventricular dysplasia 9 (ARVD9). Also called: Arrhythmogenic Right Ventricular Dysplasia/Cardiomyopathy 9; ARRHYTHMOGENIC RIGHT VENTRICULAR DYSPLASIA, FAMILIAL, 9. Identifiers: MedGen C1836906, MONDO:0012180, OMIM 609040.
Cardiomyopathy (CMYO). Also called: Cardiomyopathies. Identifiers: Orphanet 167848, MedGen C0878544, MONDO:0004994, HP:0001638. Inheritance: Various modes of inheritance.
Cardiovascular phenotype. Identifiers: MedGen CN230736.
Arrhythmogenic right ventricular cardiomyopathy (ARVD). Also called: Arrhythmogenic right ventricular dysplasia; Cardiomyopathy, ARVC; Arrhythmogenic Right Ventricular Cardiomyopathy (ARVC); Arrhythmogenic cardiomyopathy. Identifiers: Orphanet 247, MedGen C0349788, MeSH D019571, MONDO:0016587. Disease mechanism: loss of function. Inheritance: Various modes of inheritance.

Allele frequency attached by ClinVar (database versions not stated): TOPMed 0.00005; gnomAD 0.00006; gnomAD exomes 0.00006 and 0.00015; ExAC 0.00011.
gnomAD v4.1: 104 of 1,613,970 alleles (0.0064%); highest among the groups gnomAD compares: African/African-American, 0.004%; no homozygotes.

Submissions (8):

Labcorp Genetics (formerly Invitae), Labcorp
Classification: Likely benign for Arrhythmogenic right ventricular dysplasia 9. Last evaluated: 2026-01-26. Review status: criteria provided, single submitter. Criteria: Invitae Variant Classification Sherloc (09022015). Collection method: clinical testing. Allele origin: germline.

Blueprint Genetics
Classification: Likely benign. Last evaluated: 2024-08-30. Review status: criteria provided, single submitter. Criteria: ACMG Guidelines, 2015. Collection method: clinical testing. Allele origin: germline.

CeGaT Center for Human Genetics Tuebingen
Classification: Likely benign. Last evaluated: 2024-06-01. Review status: criteria provided, single submitter. Criteria: CeGaT Center For Human Genetics Tuebingen Variant Classification Criteria Version 2. Collection method: clinical testing. Allele origin: germline. Affected: yes. Observed: 4 variant alleles.
Comment: PKP2: BP4, BP7

All of Us Research Program, National Institutes of Health
Classification: Benign for Arrhythmogenic right ventricular cardiomyopathy. Last evaluated: 2024-02-05. Review status: criteria provided, single submitter. Criteria: ACMG Guidelines, 2015. Collection method: clinical testing. Allele origin: germline. Inheritance: Autosomal dominant inheritance. Observed: 31 variant alleles, 31 heterozygotes.
Comment: This study involves interpretation of variants in research participants for the purpose of population health screening. Participant phenotype was not available at the time of variant classification. Additional details can be found in publication PMID: 35346344, PMCID: PMC8962531

Women's Health and Genetics/Laboratory Corporation of America, LabCorp
Classification: Likely benign. Last evaluated: 2021-05-23. Review status: criteria provided, single submitter. Criteria: LabCorp Variant Classification Summary - May 2015. Collection method: clinical testing. Allele origin: germline.

Ambry Genetics
Classification: Likely benign for Cardiovascular phenotype. Last evaluated: 2019-07-10. Review status: criteria provided, single submitter. Criteria: Ambry Variant Classification Scheme 2023. Collection method: clinical testing. Allele origin: germline.

Color Diagnostics, LLC DBA Color Health
Classification: Benign for Cardiomyopathy. Last evaluated: 2018-10-30. Review status: criteria provided, single submitter. Criteria: ACMG Guidelines, 2015. Collection method: clinical testing. Allele origin: germline.

GeneDx
Classification: Benign. Last evaluated: 2015-05-18. Review status: criteria provided, single submitter. Criteria: GeneDx Variant Classification (06012015). Collection method: clinical testing. Allele origin: germline. Affected: yes.
Comment: This variant is considered likely benign or benign based on one or more of the following criteria: it is a conservative change, it occurs at a poorly conserved position in the protein, it is predicted to be benign by multiple in silico algorithms, and/or has population frequency not consistent with disease.